The following is an entry in ClinVar:

NM_007214.5(SEC63):c.882C>T (p.Thr294=)

Gene: SEC63 (SEC63 homolog, protein translocation regulator; minus strand). Cytogenetic location: 6q21.
Variant type: single nucleotide variant.
Coding change: c.882C>T on transcript NM_007214.5 (MANE Select); coding-DNA position 882, C replaced by T.
Protein change: p.Thr294=; no amino-acid change (threonine 294 retained).
Molecular consequence: synonymous variant.
Genome position (GRCh38, 1-based): chr6:107,906,527, G>A on the plus strand (C>T on the coding strand, the complement: SEC63 is on the minus strand). VCF-style: chr6-107906527-G-A. GRCh37 (hg19) VCF-style: chr6-108227731-G-A.
Identifiers: ClinVar variation 904250 (VCV000904250.5), dbSNP rs746631731, ClinGen allele CA3947552.

ClinVar aggregate classification (germline): Likely benign. Review status: criteria provided, multiple submitters, no conflicts (2 of 4 stars). 2 submissions from 2 submitters: Likely benign (2). Last evaluated 2018-01-13.

Conditions:
Polycystic liver disease 2 (PCLD2). Also called: Polycystic liver disease 2 with or without kidney cysts. Identifiers: Orphanet 2924, MedGen C4310769, MONDO:0014860, OMIM 617004.

Allele frequency attached by ClinVar (database versions not stated): ExAC 0.00002.
gnomAD v4.1: 4 of 1,613,338 alleles (0.00025%); highest among the groups gnomAD compares: South Asian, 0.0033%; no homozygotes.

Submissions (2):

Illumina Laboratory Services, Illumina
Classification: Likely benign for Polycystic liver disease 2. Last evaluated: 2018-01-13. Review status: criteria provided, single submitter. Criteria: ICSL Variant Classification Criteria 13 December 2019. Collection method: clinical testing. Allele origin: germline.
Comment: This variant was observed in the ICSL laboratory as part of a predisposition screen in an ostensibly healthy population. It had not been previously curated by ICSL or reported in the Human Gene Mutation Database (HGMD: prior to June 1st, 2018), and was therefore a candidate for classification through an automated scoring system. Utilizing variant allele frequency, disease prevalence and penetrance estimates, and inheritance mode, an automated score was calculated to assess if this variant is too frequent to cause the disease. Based on the score and internal cut-off values, a variant classified as likely benign is not then subjected to further curation. The score for this variant resulted in a classification of likely benign for this disease.

Breakthrough Genomics
Classification: Likely benign. Review status: criteria provided, single submitter. Criteria: ACMG Guidelines, 2015. Collection method: not provided. Allele origin: germline. Inheritance: Autosomal dominant inheritance. Affected: yes.